The following is an entry in ClinVar:

ClinVar aggregate classification (germline): Benign/Likely benign. Review status: criteria provided, multiple submitters, no conflicts (2 of 4 stars). 6 submissions from 6 submitters: Benign (3); Likely benign (2). 1 of the submissions does not count toward it. Last evaluated 2025-12-16.

Conditions:
COL5A2-related disorder. Also called: COL5A2-related condition.
Ehlers-Danlos syndrome, classic type, 1 (EDSCL1). Also called: EHLERS-DANLOS SYNDROME, GRAVIS TYPE; EHLERS-DANLOS SYNDROME, SEVERE CLASSIC TYPE; Ehlers-Danlos syndrome, type 1; Ehlers-Danlos Syndrome, Classic Type, COL5A1-Related; EDS I. Identifiers: MedGen C0268335, MONDO:0019567, OMIM 130000.
Ehlers-Danlos syndrome, classic type, 2 (EDSCL2). Also called: Ehlers-Danlos syndrome, type 2; Ehlers-Danlos syndrome type 2 (formerly); Ehlers-Danlos Syndrome, Classic Type, COL5A2-Related. Identifiers: Orphanet 287, Orphanet 90318, MedGen C0268336, MONDO:0019568, OMIM 130010.
Familial thoracic aortic aneurysm and aortic dissection (TAAD). Also called: Thoracic aortic aneurysms and dissections. Identifiers: Orphanet 91387, MedGen C4707243, MONDO:0019625.

Allele frequency attached by ClinVar (database versions not stated): gnomAD exomes 0.00006 and 0.00015; ExAC 0.00016; 1000 Genomes Project 30x 0.00031; 1000 Genomes Project 0.00040; ESP Exome Variant Server 0.00062; TOPMed 0.00077; gnomAD 0.00079 and 0.00087.
gnomAD v4.1: 206 of 1,613,826 alleles (0.013%); highest among the groups gnomAD compares: African/African-American, 0.25%; no homozygotes.

Submissions (6):

Labcorp Genetics (formerly Invitae), Labcorp
Classification: Benign for Ehlers-Danlos syndrome, classic type, 1. Last evaluated: 2025-12-16. Review status: criteria provided, single submitter. Criteria: Invitae Variant Classification Sherloc (09022015). Collection method: clinical testing. Allele origin: germline.

Blueprint Genetics
Classification: Likely benign. Last evaluated: 2023-11-30. Review status: criteria provided, single submitter. Criteria: ACMG Guidelines, 2015. Collection method: clinical testing. Allele origin: germline.

Illumina Laboratory Services, Illumina
Classification: Benign for Ehlers-Danlos syndrome, classic type, 2. Last evaluated: 2018-01-12. Review status: criteria provided, single submitter. Criteria: ICSL Variant Classification Criteria 13 December 2019. Collection method: clinical testing. Allele origin: germline.
Comment: This variant was observed in the ICSL laboratory as part of a predisposition screen in an ostensibly healthy population. It had not been previously curated by ICSL or reported in the Human Gene Mutation Database (HGMD: prior to June 1st, 2018), and was therefore a candidate for classification through an automated scoring system. Utilizing variant allele frequency, disease prevalence and penetrance estimates, and inheritance mode, an automated score was calculated to assess if this variant is too frequent to cause the disease. Based on the score and internal cut-off values, a variant classified as benign is not then subjected to further curation. The score for this variant resulted in a classification of benign for this disease.

Ambry Genetics
Classification: Likely benign for Familial thoracic aortic aneurysm and aortic dissection. Last evaluated: 2015-12-10. Review status: criteria provided, single submitter. Criteria: Ambry Variant Classification Scheme 2023. Collection method: clinical testing. Allele origin: germline.

GeneDx
Classification: Benign. Last evaluated: 2014-12-02. Review status: criteria provided, single submitter. Criteria: GeneDx Variant Classification (06012015). Collection method: clinical testing. Allele origin: germline. Affected: yes.
Comment: This variant is considered likely benign or benign based on one or more of the following criteria: it is a conservative change, it occurs at a poorly conserved position in the protein, it is predicted to be benign by multiple in silico algorithms, and/or has population frequency not consistent with disease.

PreventionGenetics, part of Exact Sciences
Classification: Likely benign for COL5A2-related condition. Last evaluated: 2019-08-03. Review status: no assertion criteria provided. Collection method: clinical testing. Allele origin: germline. Not counted in ClinVar's aggregate classification.
Comment: This variant is classified as likely benign based on ACMG/AMP sequence variant interpretation guidelines (Richards et al. 2015 PMID: 25741868, with internal and published modifications).

NM_000393.5(COL5A2):c.4173C>G (p.Arg1391=)

Gene: COL5A2 (collagen type V alpha 2 chain; minus strand). Cytogenetic location: 2q32.2.
Variant type: single nucleotide variant.
Coding change: c.4173C>G on transcript NM_000393.5 (MANE Select); coding-DNA position 4173, C replaced by G.
Protein change: p.Arg1391=; no amino-acid change (arginine 1391 retained).
Molecular consequence: synonymous variant.
Genome position (GRCh38, 1-based): chr2:189,035,096, G>C on the plus strand (C>G on the coding strand, the complement: COL5A2 is on the minus strand). VCF-style: chr2-189035096-G-C. GRCh37 (hg19) VCF-style: chr2-189899822-G-C.
Other names: p.R1391R:CGC>CGG; c.4173C>G (NM_000393.4).
Identifiers: ClinVar variation 213084 (VCV000213084.24), dbSNP rs148590409, ClinGen allele CA321636.